The following is an entry in ClinVar:

ClinVar aggregate classification (germline): Uncertain significance. Review status: criteria provided, multiple submitters, no conflicts (2 of 4 stars). 2 submissions from 2 submitters: Uncertain significance (2). Last evaluated 2026-08-21.

Conditions:
Gastrointestinal stromal tumor. Also called: Gastrointestinal stroma tumor; Gastrointestinal stromal tumor, somatic. Identifiers: Orphanet 44890, MedGen C0238198, MeSH D046152, MONDO:0011719, OMIM 606764, HP:0100723.
Pheochromocytoma/paraganglioma syndrome 3. Also called: GLOMUS TUMORS, FAMILIAL, 3; Paragangliomas 3; SDHC-Related Hereditary Paraganglioma-Pheochromocytoma Syndrome (Paragangliomas 3); SDHC-Related Hereditary Paraganglioma-Pheochromocytoma Syndrome. Identifiers: Orphanet 29072, MedGen C1854336, MONDO:0011544, OMIM 605373.
Hereditary cancer-predisposing syndrome. Also called: Tumor predisposition; Hereditary neoplastic syndrome; Neoplastic Syndromes, Hereditary; Hereditary Cancer Syndrome. Identifiers: Orphanet 140162, MedGen C0027672, MeSH D009386, MONDO:0015356.

Submissions (2):

Ambry Genetics
Classification: Uncertain significance for Hereditary cancer-predisposing syndrome. Last evaluated: 2026-08-21. Review status: criteria provided, single submitter. Criteria: Ambry Variant Classification Scheme 2023. Collection method: clinical testing. Allele origin: germline.
Comment: The p.V155A variant (also known as c.464T>C), located in coding exon 6 of the SDHC gene, results from a T to C substitution at nucleotide position 464. The valine at codon 155 is replaced by alanine, an amino acid with similar properties. This amino acid position is highly conserved in available vertebrate species. In addition, this alteration is predicted to be deleterious by in silico analysis. Based on the available evidence, the clinical significance of this variant remains unclear.

Labcorp Genetics (formerly Invitae), Labcorp
Classification: Uncertain significance for Pheochromocytoma/paraganglioma syndrome 3; Gastrointestinal stromal tumor. Last evaluated: 2022-08-01. Review status: criteria provided, single submitter. Criteria: Invitae Variant Classification Sherloc (09022015). Collection method: clinical testing. Allele origin: germline.
Comment: ClinVar contains an entry for this variant (Variation ID: 847288). This variant has not been reported in the literature in individuals affected with SDHC-related conditions. This variant is not present in population databases (gnomAD no frequency). This sequence change replaces valine, which is neutral and non-polar, with alanine, which is neutral and non-polar, at codon 155 of the SDHC protein (p.Val155Ala). Advanced modeling of protein sequence and biophysical properties (such as structural, functional, and spatial information, amino acid conservation, physicochemical variation, residue mobility, and thermodynamic stability) performed at Invitae indicates that this missense variant is expected to disrupt SDHC protein function. In summary, the available evidence is currently insufficient to determine the role of this variant in disease. Therefore, it has been classified as a Variant of Uncertain Significance.

NM_003001.5(SDHC):c.464T>C (p.Val155Ala)

Gene: SDHC (succinate dehydrogenase complex subunit C; plus strand). Cytogenetic location: 1q23.3.
Variant type: single nucleotide variant.
Coding change: c.464T>C on transcript NM_003001.5 (MANE Select); coding-DNA position 464, T replaced by C.
Protein change: p.Val155Ala; replaces valine 155 with alanine.
Molecular consequence: missense variant. On other transcripts: synonymous variant (3), non-coding transcript variant (1).
Genome position (GRCh38, 1-based): chr1:161,362,387, T>C. VCF-style: chr1-161362387-T-C. GRCh37 (hg19) VCF-style: chr1-161332177-T-C.
Other names: c.300T>C, p.Cys100= (NM_001035511.3); c.362T>C, p.Val121Ala (NM_001035512.3); c.305T>C, p.Val102Ala (NM_001035513.3); c.198T>C, p.Cys66= (NM_001278172.3); c.584T>C, p.Val195Ala (NM_001407115.1); c.407T>C, p.Val136Ala (NM_001407116.1); c.401T>C, p.Val134Ala (NM_001407117.1); c.356T>C, p.Val119Ala (NM_001407118.1); and 2 more; short protein forms V155A, V121A, V102A, V134A, V119A, V118A, V136A, V195A.
Identifiers: ClinVar variation 847288 (VCV000847288.9), dbSNP rs1672552536, ClinGen allele CA343457822.